The following is an entry in ClinVar:

NM_014806.5(RUSC2):c.3809GGT[1] (p.Trp1271del)

Gene: RUSC2 (RUN and SH3 domain containing 2; plus strand). Cytogenetic location: 9p13.3.
Variant type: Microsatellite.
Coding change: c.3809GGT[1] on transcript NM_014806.5 (MANE Select); one copy of the 3-base unit GGT starting at c.3809; the reference has two copies in a row; one copy, 3 bases deleted.
Protein change: p.Trp1271del; deletes tryptophan 1271.
Molecular consequence: inframe deletion. On other transcripts: non-coding transcript variant (1).
Genome position (GRCh38, 1-based): chr9:35,560,452-35,560,454, GGT deleted; deleting any 3 consecutive bases within chr9:35,560,448-35,560,454 gives the same sequence; the position shown is the placement nearest the transcript's 3' end. VCF-style (leftmost placement, unchanged base first): chr9-35560447-CTGG-C. GRCh37 (hg19) VCF-style: chr9-35560444-CTGG-C.
Other names: c.3809GGT[1], p.Trp1271del (NM_001135999.2); c.1175GGT[1], p.Trp393del (NM_001330740.2); short protein forms W393del, W1271del.
Identifiers: ClinVar variation 1443084 (VCV001443084.7), dbSNP rs1311243312, ClinGen allele CA587569715.

ClinVar aggregate classification (germline): Uncertain significance (1 of 4 stars; one submission).

Submission:

Labcorp Genetics (formerly Invitae), Labcorp
Classification: Uncertain significance. Last evaluated: 2025-02-24. Review status: criteria provided, single submitter. Criteria: Invitae Variant Classification Sherloc (09022015). Collection method: clinical testing. Allele origin: germline.
Comment: This variant, c.3812_3814del, results in the deletion of 1 amino acid(s) of the RUSC2 protein (p.Trp1271del), but otherwise preserves the integrity of the reading frame. This variant is present in population databases (no rsID available, gnomAD 0.007%). This variant has not been reported in the literature in individuals affected with RUSC2-related conditions. Experimental studies and prediction algorithms are not available or were not evaluated, and the functional significance of this variant is currently unknown. In summary, the available evidence is currently insufficient to determine the role of this variant in disease. Therefore, it has been classified as a Variant of Uncertain Significance.